The following is an entry in ClinVar:

NM_001292034.3(TAB2):c.1354C>T (p.Arg452Ter)

Genes: TAB2 (TGF-beta activated kinase 1 (MAP3K7) binding protein 2; plus strand), LOC126859827 (BRD4-independent group 4 enhancer GRCh37_chr6:149699707-149700906; plus strand). Cytogenetic location: 6q25.1.
Variant type: single nucleotide variant.
Coding change: c.1354C>T on transcript NM_001292034.3 (MANE Select); coding-DNA position 1354, C replaced by T.
Protein change: p.Arg452Ter; replaces arginine 452 with a stop codon.
Molecular consequence: nonsense.
Genome position (GRCh38, 1-based): chr6:149,379,269, C>T. VCF-style: chr6-149379269-C-T. GRCh37 (hg19) VCF-style: chr6-149700405-C-T.
Other names: c.1354C>T (NM_015093.4); c.1258C>T, p.Arg420Ter (NM_001292035.3); c.1354C>T, p.Arg452Ter (NM_001369506.1, NM_015093.6); short protein forms R420*, R452*.
Identifiers: ClinVar variation 1454884 (VCV001454884.13), dbSNP rs2114887942, ClinGen allele CA365999111.

ClinVar aggregate classification (germline): Pathogenic. Review status: criteria provided, multiple submitters, no conflicts (2 of 4 stars). 7 submissions from 7 submitters: Pathogenic (7). Last evaluated 2026-09-01.

Conditions:
Muscle tissue disorder. Also called: Muscle disorders; Muscular disease; Muscle tissue disease; muscle disorder. Identifiers: MedGen CN294483, MONDO:0003939.
Congenital heart defects, multiple types, 2 (CHTD2). Also called: Congenital heart defects, nonsyndromic, 2. Identifiers: Orphanet 664401, MedGen C3554279, MONDO:0014000, OMIM 614980.
Primary dilated cardiomyopathy (DCM). Also called: Dilated Cardiomyopathy. Identifiers: Orphanet 217604, MedGen C0007193, MeSH D002311, MONDO:0005021, HP:0001644. Inheritance: Various modes of inheritance.

Allele frequency attached by ClinVar (database versions not stated): gnomAD exomes below 0.00001.
gnomAD v4.1: 1 of 1,614,198 alleles (0.000062%); highest among the groups gnomAD compares: Non-Finnish European, 0.000085%; no homozygotes.

Submissions (7):

CeGaT Center for Human Genetics Tuebingen
Classification: Pathogenic. Last evaluated: 2026-09-01. Review status: criteria provided, single submitter. Criteria: CeGaT Center For Human Genetics Tuebingen Variant Classification Criteria Version 2. Collection method: clinical testing. Allele origin: germline. Affected: yes. Observed: 1 variant allele.
Comment: TAB2: PVS1, PM2

GeneDx
Classification: Pathogenic. Last evaluated: 2026-03-08. Review status: criteria provided, single submitter. Criteria: GeneDx Variant Classification Process June 2021. Collection method: clinical testing. Allele origin: germline.
Comment: Nonsense variant predicted to result in protein truncation or nonsense mediated decay in a gene for which loss of function is a known mechanism of disease; Not observed at significant frequency in large population cohorts (gnomAD); This variant is associated with the following publications: (PMID: 39472908, 34906501)

Labcorp Genetics (formerly Invitae), Labcorp
Classification: Pathogenic. Last evaluated: 2023-08-03. Review status: criteria provided, single submitter. Criteria: Invitae Variant Classification Sherloc (09022015). Collection method: clinical testing. Allele origin: germline.
Comment: This variant is not present in population databases (gnomAD no frequency). This sequence change creates a premature translational stop signal (p.Arg452*) in the TAB2 gene. It is expected to result in an absent or disrupted protein product. Loss-of-function variants in TAB2 are known to be pathogenic (PMID: 28386937, 31250519). This variant has not been reported in the literature in individuals affected with TAB2-related conditions. ClinVar contains an entry for this variant (Variation ID: 1454884). For these reasons, this variant has been classified as Pathogenic.

Institute for Genomic Medicine, Nationwide Children's Hospital
Classification: Pathogenic for Primary dilated cardiomyopathy. Last evaluated: 2022-12-08. Review status: criteria provided, single submitter. Criteria: ACMG Guidelines, 2015. Collection method: research. Allele origin: maternal. Inheritance: Autosomal dominant inheritance. Affected: yes. Observed: 1 heterozygote.
Comment: This variant has not been reported in public allele frequency databases (gnomAD and TopMed). Although this variant has not been reported in the literature to our knowledge, it is similar to predicted truncating variants reported by Engwerda et al, 2021 (PMID: 34456334) as causing a highly recognizable syndrome. Some 80% of the patients in their cohort had cardiac involvement, often dilated cardiomyopathy. We interpret the variant as Pathogenic.

AURAGEN, Plan France Médecine Génomique
Classification: Pathogenic for Muscle tissue disorder. Last evaluated: 2021-11-25. Review status: criteria provided, single submitter. Criteria: PFMG2025 (Lancet Reg Health Eur. 2025). Collection method: clinical testing. Allele origin: germline. Affected: yes.

3billion
Classification: Pathogenic for Congenital heart defects, multiple types, 2. Review status: criteria provided, single submitter. Criteria: ACMG Guidelines, 2015. Collection method: clinical testing. Allele origin: unknown. Affected: yes. Observed: 1 heterozygote.
Comment: The variant is not observed in the gnomAD v2.1.1 dataset. The variant is predicted to result in a loss or disruption of normal protein function through nonsense-mediated decay (NMD) or protein truncation. Multiple pathogenic variants are reported downstream of the variant. The variant has been reported at least twice as pathogenic without evidence for the classification (ClinVar ID: VCV001454884 / PMID: 34906501). Therefore, this variant is classified as Pathogenic according to the recommendation of ACMG/AMP guideline.

Laboratoire de Génétique Moléculaire, CHU Bordeaux
Classification: Pathogenic for Congenital heart defects, multiple types, 2. Review status: criteria provided, single submitter. Criteria: ACMG Guidelines, 2015. Collection method: clinical testing. Allele origin: germline. Affected: yes.

Literature cited by the submitters: PubMed 28386937 (cited by Labcorp Genetics (formerly Invitae), Labcorp); PubMed 31250519 (cited by Labcorp Genetics (formerly Invitae), Labcorp); PubMed 34906501 (cited by 3billion).